The following is an entry in ClinVar:

ClinVar aggregate classification (germline): Uncertain significance. Review status: criteria provided, multiple submitters, no conflicts (2 of 4 stars). 2 submissions from 2 submitters: Uncertain significance (2). Last evaluated 2023-01-23.

Conditions:
Inborn genetic diseases. Identifiers: MedGen C0950123, MeSH D030342.

Allele frequency attached by ClinVar (database versions not stated): gnomAD exomes below 0.00001; ExAC 0.00001; gnomAD 0.00003; TOPMed 0.00003; ESP Exome Variant Server 0.00008.
gnomAD v4.1: 7 of 1,587,172 alleles (0.00044%); highest among the groups gnomAD compares: African/African-American, 0.0094%; no homozygotes.

Submissions (2):

Ambry Genetics
Classification: Uncertain significance for Inborn genetic diseases. Last evaluated: 2023-01-23. Review status: criteria provided, single submitter. Criteria: Ambry Variant Classification Scheme 2023. Collection method: clinical testing. Allele origin: germline.

Labcorp Genetics (formerly Invitae), Labcorp
Classification: Uncertain significance. Last evaluated: 2022-02-20. Review status: criteria provided, single submitter. Criteria: Invitae Variant Classification Sherloc (09022015). Collection method: clinical testing. Allele origin: germline.
Comment: This sequence change replaces proline, which is neutral and non-polar, with threonine, which is neutral and polar, at codon 57 of the TRIM37 protein (p.Pro57Thr). This variant is present in population databases (rs140635645, gnomAD 0.02%). This variant has not been reported in the literature in individuals affected with TRIM37-related conditions. Algorithms developed to predict the effect of missense changes on protein structure and function are either unavailable or do not agree on the potential impact of this missense change (SIFT: "Not Available"; PolyPhen-2: "Benign"; Align-GVGD: "Not Available"). In summary, the available evidence is currently insufficient to determine the role of this variant in disease. Therefore, it has been classified as a Variant of Uncertain Significance.

NM_015294.6(TRIM37):c.169C>A (p.Pro57Thr)

Gene: TRIM37 (tripartite motif containing 37; minus strand). Cytogenetic location: 17q22.
Variant type: single nucleotide variant.
Coding change: c.169C>A on transcript NM_015294.6 (MANE Select); coding-DNA position 169, C replaced by A.
Protein change: p.Pro57Thr; replaces proline 57 with threonine.
Molecular consequence: missense variant. On other transcripts: 5 prime UTR variant (3), non-coding transcript variant (2).
Genome position (GRCh38, 1-based): chr17:59,088,403, G>T on the plus strand (C>A on the coding strand, the complement: TRIM37 is on the minus strand). VCF-style: chr17-59088403-G-T. GRCh37 (hg19) VCF-style: chr17-57165764-G-T.
Other names: c.169C>A, p.Pro57Thr (NM_001005207.5, NM_001320988.3, NM_001320989.3 and 2 more transcripts); c.67C>A, p.Pro23Thr (NM_001320987.3, NM_001353082.2); c.-198C>A (NM_001320990.3); c.-584C>A (NM_001353083.2); c.-206C>A (NM_001353085.2); c.169C>A (NM_015294.3); short protein forms P57T, P23T.
Identifiers: ClinVar variation 1924761 (VCV001924761.4), dbSNP rs140635645, ClinGen allele CA8678688.